The following is an entry in ClinVar:

ClinVar aggregate classification (germline): Likely benign (1 of 4 stars; one submission).

Allele frequency attached by ClinVar (database versions not stated): gnomAD exomes below 0.00001.

Submission:

GeneDx
Classification: Likely benign. Last evaluated: 2017-11-06. Review status: criteria provided, single submitter. Criteria: GeneDx Variant Classification (06012015). Collection method: clinical testing. Allele origin: germline. Affected: yes.
Comment: This variant is considered likely benign or benign based on one or more of the following criteria: it is a conservative change, it occurs at a poorly conserved position in the protein, it is predicted to be benign by multiple in silico algorithms, and/or has population frequency not consistent with disease.

NM_000257.4(MYH7):c.3245+7T>G

Gene: MYH7 (myosin heavy chain 7; minus strand). Cytogenetic location: 14q11.2.
Variant type: single nucleotide variant.
Coding change: c.3245+7T>G on transcript NM_000257.4 (MANE Select); 7 bases into the intron after coding-DNA position 3245, T replaced by G.
Molecular consequence: intron variant.
Genome position (GRCh38, 1-based): chr14:23,422,173, A>C on the plus strand (T>G on the coding strand, the complement: MYH7 is on the minus strand). VCF-style: chr14-23422173-A-C. GRCh37 (hg19) VCF-style: chr14-23891382-A-C.
Other names: c.3245+7T>G (LRG_384t1).
Identifiers: ClinVar variation 513212 (VCV000513212.1), dbSNP rs995780485, ClinGen allele CA257817863.